The following is an entry in ClinVar:

ClinVar aggregate classification (germline): Uncertain significance (1 of 4 stars; one submission).

Conditions:
Dyskeratosis congenita. Identifiers: Orphanet 1775, MedGen C0265965, MONDO:0015780.

Submission:

Labcorp Genetics (formerly Invitae), Labcorp
Classification: Uncertain significance for Dyskeratosis congenita. Last evaluated: 2022-03-14. Review status: criteria provided, single submitter. Criteria: Invitae Variant Classification Sherloc (09022015). Collection method: clinical testing. Allele origin: germline.
Comment: This variant is not present in population databases (gnomAD no frequency). This sequence change replaces tyrosine, which is neutral and polar, with histidine, which is basic and polar, at codon 352 of the CTC1 protein (p.Tyr352His). Algorithms developed to predict the effect of sequence changes on RNA splicing suggest that this variant may disrupt the consensus splice site. Algorithms developed to predict the effect of missense changes on protein structure and function output the following: SIFT: "Tolerated"; PolyPhen-2: "Benign"; Align-GVGD: "Class C0". The histidine amino acid residue is found in multiple mammalian species, which suggests that this missense change does not adversely affect protein function. This variant has not been reported in the literature in individuals affected with CTC1-related conditions. In summary, the available evidence is currently insufficient to determine the role of this variant in disease. Therefore, it has been classified as a Variant of Uncertain Significance.

NM_025099.6(CTC1):c.1054T>C (p.Tyr352His)

Gene: CTC1 (CST telomere replication complex component 1; minus strand). Cytogenetic location: 17p13.1.
Variant type: single nucleotide variant.
Coding change: c.1054T>C on transcript NM_025099.6 (MANE Select); coding-DNA position 1054, T replaced by C.
Protein change: p.Tyr352His; replaces tyrosine 352 with histidine.
Molecular consequence: missense variant. On other transcripts: non-coding transcript variant (1).
Genome position (GRCh38, 1-based): chr17:8,236,081, A>G on the plus strand (T>C on the coding strand, the complement: CTC1 is on the minus strand). VCF-style: chr17-8236081-A-G. GRCh37 (hg19) VCF-style: chr17-8139399-A-G.
Other names: c.1054T>C, p.Tyr352His (NM_001411067.1); short protein forms Y352H.
Identifiers: ClinVar variation 2111598 (VCV002111598.4), dbSNP rs2507930944, ClinGen allele CA397987850.